The following is an entry in ClinVar:

ClinVar aggregate classification (germline): Likely benign. Review status: criteria provided, multiple submitters, no conflicts (2 of 4 stars). 2 submissions from 2 submitters: Likely benign (2). Last evaluated 2024-08-08.

Conditions:
Muscular dystrophy-dystroglycanopathy (congenital with brain and eye anomalies), type a, 8 (MDDGA8). Also called: WALKER-WARBURG SYNDROME OR MUSCLE-EYE-BRAIN DISEASE, GTDC2-RELATED. Identifiers: Orphanet 899, MedGen C3553813, MONDO:0013904, OMIM 614830.

Allele frequency attached by ClinVar (database versions not stated): gnomAD exomes below 0.00001 and 0.00001; TOPMed below 0.00001; ExAC 0.00001; gnomAD 0.00001.

Submissions (2):

Labcorp Genetics (formerly Invitae), Labcorp
Classification: Likely benign for Muscular dystrophy-dystroglycanopathy (congenital with brain and eye anomalies), type a, 8. Last evaluated: 2024-08-08. Review status: criteria provided, single submitter. Criteria: Invitae Variant Classification Sherloc (09022015). Collection method: clinical testing. Allele origin: germline.

CeGaT Center for Human Genetics Tuebingen
Classification: Likely benign. Last evaluated: 2023-01-01. Review status: criteria provided, single submitter. Criteria: CeGaT Center For Human Genetics Tuebingen Variant Classification Criteria Version 2. Collection method: clinical testing. Allele origin: germline. Affected: yes. Observed: 1 variant allele.
Comment: POMGNT2: BP4, BP7

NM_032806.6(POMGNT2):c.106C>T (p.Leu36=)

Gene: POMGNT2 (protein O-linked mannose N-acetylglucosaminyltransferase 2 (beta 1,4-); minus strand). Cytogenetic location: 3p22.1.
Variant type: single nucleotide variant.
Coding change: c.106C>T on transcript NM_032806.6 (MANE Select); coding-DNA position 106, C replaced by T.
Protein change: p.Leu36=; no amino-acid change (leucine 36 retained).
Molecular consequence: synonymous variant.
Genome position (GRCh38, 1-based): chr3:43,081,326, G>A on the plus strand (C>T on the coding strand, the complement: POMGNT2 is on the minus strand). VCF-style: chr3-43081326-G-A. GRCh37 (hg19) VCF-style: chr3-43122818-G-A.
Identifiers: ClinVar variation 1577283 (VCV001577283.31), dbSNP rs753784723, ClinGen allele CA2340155.
Genomic context (GRCh38, chr3:43,081,326, plus strand): 5'-CCTTCGGGTAGTCGATCCTCAGTGCTGGGGCTGGCTCTGTGGCCTGTCGGCTGAGGGCCA[G>A]CTCCTCCTCCAGTGTGGCTGCATGCTCACGCAGCCGCACATGCTTCCACAGGACCGCTGC-3'
Protein context (NP_116195.2, residues 26-46): REHAATLEEE[Leu36=]ALSRQATEPA